The following is an entry in ClinVar:

ClinVar aggregate classification (germline): Uncertain significance (1 of 4 stars; one submission).

Conditions:
Rubinstein-Taybi syndrome (RSTS). Identifiers: Orphanet 783, MedGen C0035934, MONDO:0019188.

gnomAD v4.1: 2 of 1,613,614 alleles (0.00012%); highest among the groups gnomAD compares: Non-Finnish European, 0.00017%; no homozygotes.

Submission:

Labcorp Genetics (formerly Invitae), Labcorp
Classification: Uncertain significance for Rubinstein-Taybi syndrome. Last evaluated: 2022-06-10. Review status: criteria provided, single submitter. Criteria: Invitae Variant Classification Sherloc (09022015). Collection method: clinical testing. Allele origin: germline.
Comment: In summary, the available evidence is currently insufficient to determine the role of this variant in disease. Therefore, it has been classified as a Variant of Uncertain Significance. Algorithms developed to predict the effect of missense changes on protein structure and function are either unavailable or do not agree on the potential impact of this missense change (SIFT: "Deleterious"; PolyPhen-2: "Benign"; Align-GVGD: "Class C0"). This variant has not been reported in the literature in individuals affected with CREBBP-related conditions. This variant is not present in population databases (gnomAD no frequency). This sequence change replaces methionine, which is neutral and non-polar, with leucine, which is neutral and non-polar, at codon 267 of the CREBBP protein (p.Met267Leu).

NM_004380.3(CREBBP):c.799A>T (p.Met267Leu)

Gene: CREBBP (CREB binding lysine acetyltransferase; minus strand). Cytogenetic location: 16p13.3.
Variant type: single nucleotide variant.
Coding change: c.799A>T on transcript NM_004380.3 (MANE Select); coding-DNA position 799, A replaced by T.
Protein change: p.Met267Leu; replaces methionine 267 with leucine.
Molecular consequence: missense variant.
Genome position (GRCh38, 1-based): chr16:3,810,779, T>A on the plus strand (A>T on the coding strand, the complement: CREBBP is on the minus strand). VCF-style: chr16-3810779-T-A. GRCh37 (hg19) VCF-style: chr16-3860780-T-A.
Other names: c.799A>T, p.Met267Leu (NM_001079846.1); short protein forms M267L.
Identifiers: ClinVar variation 1925389 (VCV001925389.5), dbSNP rs765652041, ClinGen allele CA394566247.